The following is an entry in ClinVar:

NM_000186.4(CFH):c.1666A>C (p.Asn556His)

Gene: CFH (complement factor H; plus strand). Cytogenetic location: 1q31.3.
Variant type: single nucleotide variant.
Coding change: c.1666A>C on transcript NM_000186.4 (MANE Select); coding-DNA position 1666, A replaced by C.
Protein change: p.Asn556His; replaces asparagine 556 with histidine.
Molecular consequence: missense variant.
Genome position (GRCh38, 1-based): chr1:196,715,739, A>C. VCF-style: chr1-196715739-A-C. GRCh37 (hg19) VCF-style: chr1-196684869-A-C.
Other names: short protein forms N556H.
Identifiers: ClinVar variation 1412393 (VCV001412393.7), dbSNP rs2149103764, ClinGen allele CA343983646.

ClinVar aggregate classification (germline): Uncertain significance. Review status: criteria provided, multiple submitters, no conflicts (2 of 4 stars). 2 submissions from 2 submitters: Uncertain significance (2). Last evaluated 2024-12-16.

Conditions:
Basal laminar drusen. Also called: DRUSEN OF BRUCH MEMBRANE; DRUSEN, CUTICULAR; DRUSEN, EARLY ADULT-ONSET, GROUPED. Identifiers: Orphanet 75376, MedGen C0730295, MONDO:0007472, OMIM 126700.
Factor H deficiency (CFHD). Also called: CFH DEFICIENCY; COMPLEMENT FACTOR H DEFICIENCY. Identifiers: Orphanet 200421, MedGen C0398777, MONDO:0012350, OMIM 609814.
Age related macular degeneration 4. Identifiers: MedGen C1853147, MONDO:0012540, OMIM 610698.
Hemolytic uremic syndrome, atypical, susceptibility to, 1. Also called: AHUS, SUSCEPTIBILITY TO, 1. Identifiers: Orphanet 2134, Orphanet 90038, MedGen C2749604, MONDO:0009335, OMIM 235400. Disease mechanism: Other.

gnomAD v4.1: 4 of 1,612,746 alleles (0.00025%); highest among the groups gnomAD compares: South Asian, 0.0044%; no homozygotes.

Submissions (2):

Labcorp Genetics (formerly Invitae), Labcorp
Classification: Uncertain significance. Last evaluated: 2024-12-16. Review status: criteria provided, single submitter. Criteria: Invitae Variant Classification Sherloc (09022015). Collection method: clinical testing. Allele origin: germline.
Comment: This sequence change replaces asparagine, which is neutral and polar, with histidine, which is basic and polar, at codon 556 of the CFH protein (p.Asn556His). This variant is not present in population databases (gnomAD no frequency). This variant has not been reported in the literature in individuals affected with CFH-related conditions. ClinVar contains an entry for this variant (Variation ID: 1412393). An algorithm developed to predict the effect of missense changes on protein structure and function (PolyPhen-2) suggests that this variant is likely to be tolerated. In summary, the available evidence is currently insufficient to determine the role of this variant in disease. Therefore, it has been classified as a Variant of Uncertain Significance.

Fulgent Genetics
Classification: Uncertain significance for Basal laminar drusen; Hemolytic uremic syndrome, atypical, susceptibility to, 1; Factor H deficiency; Age related macular degeneration 4. Last evaluated: 2024-01-14. Review status: criteria provided, single submitter. Criteria: ACMG Guidelines, 2015. Collection method: clinical testing. Allele origin: germline.